The following is an entry in ClinVar:

ClinVar aggregate classification (germline): Pathogenic (1 of 4 stars; one submission).

Conditions:
Currarino triad. Identifiers: Orphanet 1552, MedGen C1531773, MONDO:0008305, OMIM 176450.

Submission:

Victorian Clinical Genetics Services, Murdoch Childrens Research Institute
Classification: Pathogenic for Currarino triad. Last evaluated: 2022-02-02. Review status: criteria provided, single submitter. Criteria: ACMG Guidelines, 2015. Collection method: clinical testing. Allele origin: germline. Inheritance: Autosomal dominant inheritance.
Comment: Based on the classification scheme VCGS_Germline_v1.3.4, this variant is classified as Pathogenic. Following criteria are met: 0102 - Loss of function is a known mechanism of disease in this gene and is associated with Currarino syndrome. (I) 0107 - This gene is associated with autosomal dominant disease. (I) 0112 - The condition associated with this gene has incomplete penetrance (PMID: 24095820). (I) 0115 - Variants in this gene are known to have variable expressivity (PMID: 24095820). (I) 0205 - Variant is predicted to result in a truncated protein (premature termination codon is NOT located at least 54 nucleotides upstream of the final exon-exon junction) with less than 1/3 of the protein sequence affected. (SP) 0251 - This variant is heterozygous. (I) 0301 - Variant is absent from gnomAD (both v2 and v3). (SP) 0601 - Variant is predicted to truncate part of the highly conserved third helix of the homeodomain (DECIPHER, PMID: 18449898). (SP) 0702 - Other variants also predicted to result in a truncated protein have strong previous evidence for pathogenicity. Other variants predicted to cause a truncated protein downstream of this variant have been reported as pathogenic in individuals with Currarino syndrome (PMID: 18449898, PMID: 24095820, Global Variome shared LOVD). (SP) 0807 - This variant has no previous evidence of pathogenicity. (I) Legend: (SP) - Supporting pathogenic, (I) - Information, (SB) - Supporting benign

Literature cited by the submitters: PubMed 18449898; PubMed 24095820.

NM_005515.4(MNX1):c.863G>A (p.Trp288Ter)

Gene: MNX1 (motor neuron and pancreas homeobox 1; minus strand). Cytogenetic location: 7q36.3.
Variant type: single nucleotide variant.
Coding change: c.863G>A on transcript NM_005515.4 (MANE Select); coding-DNA position 863, G replaced by A.
Protein change: p.Trp288Ter; replaces tryptophan 288 with a stop codon.
Molecular consequence: nonsense.
Genome position (GRCh38, 1-based): chr7:157,005,863, C>T on the plus strand (G>A on the coding strand, the complement: MNX1 is on the minus strand). VCF-style: chr7-157005863-C-T. GRCh37 (hg19) VCF-style: chr7-156798557-C-T.
Other names: c.227G>A, p.Trp76Ter (NM_001165255.2); short protein forms W288*, W76*.
Identifiers: ClinVar variation 1699254 (VCV001699254.3), dbSNP rs2134838783, ClinGen allele CA370162262.